The following is an entry in ClinVar:

NM_012470.4(TNPO3):c.950G>A (p.Gly317Asp)

Gene: TNPO3 (transportin 3; minus strand). Cytogenetic location: 7q32.1.
Variant type: single nucleotide variant.
Coding change: c.950G>A on transcript NM_012470.4 (MANE Select); coding-DNA position 950, G replaced by A.
Protein change: p.Gly317Asp; replaces glycine 317 with aspartic acid.
Molecular consequence: missense variant. On other transcripts: non-coding transcript variant (18).
Genome position (GRCh38, 1-based): chr7:129,000,490, C>T on the plus strand (G>A on the coding strand, the complement: TNPO3 is on the minus strand). VCF-style: chr7-129000490-C-T. GRCh37 (hg19) VCF-style: chr7-128640544-C-T.
Other names: c.950G>A, p.Gly317Asp (NM_001191028.3, NM_001382216.1, NM_001382218.1 and 4 more transcripts); c.1031G>A, p.Gly344Asp (NM_001382217.1); c.806G>A, p.Gly269Asp (NM_001382221.1); short protein forms G269D, G317D, G344D.
Identifiers: ClinVar variation 4278853 (VCV004278853.2).
Genomic context (GRCh38, chr7:129,000,490, plus strand): 5'-TCATATTGAGGATGGCCTGCACAGATAAGCAGCAGCTCCAGAGTTCGAAGGTCCCCAAGA[C>T]CTTGGCCTGGAGTACAAACAATTTTTTCAAGAAAAGTTTCACATAGTTCAGTGAAAATAC-3'
Protein context (NP_036602.1, residues 307-327): LEKIVCTPGQ[Gly317Asp]LGDLRTLELL

ClinVar aggregate classification (germline): Uncertain significance. Review status: criteria provided, multiple submitters, no conflicts (2 of 4 stars). 2 submissions from 2 submitters: Uncertain significance (2). Last evaluated 2025-07-13.

Conditions:
Autosomal dominant limb-girdle muscular dystrophy type 1F (LGMDD2). Also called: Limb-girdle muscular dystrophy, type 1F; MUSCULAR DYSTROPHY, LIMB-GIRDLE, AUTOSOMAL DOMINANT 2. Identifiers: Orphanet 55595, MedGen C1842062, MONDO:0012034, OMIM 608423.

Submissions (2):

Labcorp Genetics (formerly Invitae), Labcorp
Classification: Uncertain significance for Autosomal dominant limb-girdle muscular dystrophy type 1F. Last evaluated: 2025-07-13. Review status: criteria provided, single submitter. Criteria: Invitae Variant Classification Sherloc (09022015). Collection method: clinical testing. Allele origin: germline.
Comment: This sequence change replaces glycine, which is neutral and non-polar, with aspartic acid, which is acidic and polar, at codon 317 of the TNPO3 protein (p.Gly317Asp). This variant is not present in population databases (gnomAD no frequency). This variant has not been reported in the literature in individuals affected with TNPO3-related conditions. An algorithm developed to predict the effect of missense changes on protein structure and function (PolyPhen-2) suggests that this variant is likely to be tolerated. In summary, the available evidence is currently insufficient to determine the role of this variant in disease. Therefore, it has been classified as a Variant of Uncertain Significance.

GeneDx
Classification: Uncertain significance. Last evaluated: 2025-04-03. Review status: criteria provided, single submitter. Criteria: GeneDx Variant Classification Process June 2021. Collection method: clinical testing. Allele origin: germline. Affected: yes.
Comment: Not observed at significant frequency in large population cohorts (gnomAD); In silico analysis indicates that this missense variant does not alter protein structure/function; Has not been previously published as pathogenic or benign to our knowledge